The following is an entry in ClinVar:

ClinVar aggregate classification (germline): Uncertain significance. Review status: criteria provided, multiple submitters, no conflicts (2 of 4 stars). 2 submissions from 2 submitters: Uncertain significance (2). Last evaluated 2025-08-15.

Conditions:
Hereditary cancer-predisposing syndrome. Also called: Neoplastic Syndromes, Hereditary; Hereditary neoplastic syndrome; Tumor predisposition; Hereditary Cancer Syndrome. Identifiers: Orphanet 140162, MedGen C0027672, MeSH D009386, MONDO:0015356.
Cardiovascular phenotype. Identifiers: MedGen CN230736.
Neurofibromatosis, type 1 (NF1). Also called: Peripheral type neurofibromatosis; VON RECKLINGHAUSEN DISEASE; Neurofibromatosis, type I; NEUROFIBROMATOSIS, TYPE I, SOMATIC. Identifiers: Orphanet 636, MedGen C0027831, MONDO:0018975, OMIM 162200. Disease mechanism: loss of function.

Submissions (2):

Ambry Genetics
Classification: Uncertain significance for Cardiovascular phenotype; Hereditary cancer-predisposing syndrome. Last evaluated: 2025-08-15. Review status: criteria provided, single submitter. Criteria: Ambry Variant Classification Scheme 2023. Collection method: clinical testing. Allele origin: germline.
Comment: The p.P268Q variant (also known as c.803C>A), located in coding exon 8 of the NF1 gene, results from a C to A substitution at nucleotide position 803. The proline at codon 268 is replaced by glutamine, an amino acid with similar properties. This amino acid position is highly conserved in available vertebrate species. In addition, this alteration is predicted to be deleterious by in silico analysis. Based on the available evidence, the clinical significance of this variant remains unclear.

Labcorp Genetics (formerly Invitae), Labcorp
Classification: Uncertain significance for Neurofibromatosis, type 1. Last evaluated: 2022-11-02. Review status: criteria provided, single submitter. Criteria: Invitae Variant Classification Sherloc (09022015). Collection method: clinical testing. Allele origin: germline.
Comment: This variant has not been reported in the literature in individuals affected with NF1-related conditions. This variant is not present in population databases (gnomAD no frequency). This sequence change replaces proline, which is neutral and non-polar, with glutamine, which is neutral and polar, at codon 268 of the NF1 protein (p.Pro268Gln). In summary, the available evidence is currently insufficient to determine the role of this variant in disease. Therefore, it has been classified as a Variant of Uncertain Significance. Advanced modeling of protein sequence and biophysical properties (such as structural, functional, and spatial information, amino acid conservation, physicochemical variation, residue mobility, and thermodynamic stability) performed at Invitae indicates that this missense variant is expected to disrupt NF1 protein function. ClinVar contains an entry for this variant (Variation ID: 842647).

NM_001042492.3(NF1):c.803C>A (p.Pro268Gln)

Gene: NF1 (neurofibromin 1; plus strand). Cytogenetic location: 17q11.2.
Variant type: single nucleotide variant.
Coding change: c.803C>A on transcript NM_001042492.3 (MANE Select); coding-DNA position 803, C replaced by A.
Protein change: p.Pro268Gln; replaces proline 268 with glutamine.
Molecular consequence: missense variant.
Genome position (GRCh38, 1-based): chr17:31,182,580, C>A. VCF-style: chr17-31182580-C-A. GRCh37 (hg19) VCF-style: chr17-29509598-C-A.
Other names: c.803C>A, p.Pro268Gln (NM_000267.4, NM_001128147.3); short protein forms P268Q.
Identifiers: ClinVar variation 842647 (VCV000842647.10), dbSNP rs1441060549, ClinGen allele CA398990912.
Genomic context (GRCh38, chr17:31,182,580, plus strand): 5'-AGCTATTTGACTTGGTGGATGGTTTTGCTGAAAGCACCAAACGTAAAGCAGCAGTTTGGC[C>A]ACTACAAATCATTCTCCTTATCTTGTGTCCAGAAATAATCCAGGATATATCCAAAGACGT-3'
Protein context (NP_001035957.1, residues 258-278): ESTKRKAAVW[Pro268Gln]LQIILLILCP